The following is an entry in ClinVar:

ClinVar aggregate classification (germline): Uncertain significance (1 of 4 stars; one submission).

Conditions:
Pulmonary fibrosis and/or bone marrow failure, Telomere-related, 3. Also called: PULMONARY FIBROSIS AND/OR BONE MARROW FAILURE SYNDROME, TELOMERE-RELATED, 3. Identifiers: Orphanet 2032, MedGen C4225346, MONDO:0014613, OMIM 616373.
Dyskeratosis congenita, autosomal recessive 5 (DKCB5). Identifiers: MedGen C3554656, MONDO:0014076, OMIM 615190.

gnomAD v4.1: 1 of 1,609,870 alleles (0.000062%); highest among the groups gnomAD compares: East Asian, 0.0022%; no homozygotes.

Submission:

Labcorp Genetics (formerly Invitae), Labcorp
Classification: Uncertain significance for Dyskeratosis congenita, autosomal recessive 5; Pulmonary fibrosis and/or bone marrow failure, Telomere-related, 3. Last evaluated: 2024-08-15. Review status: criteria provided, single submitter. Criteria: Invitae Variant Classification Sherloc (09022015). Collection method: clinical testing. Allele origin: germline.
Comment: This sequence change replaces glutamic acid, which is acidic and polar, with lysine, which is basic and polar, at codon 886 of the RTEL1 protein (p.Glu886Lys). This variant is not present in population databases (gnomAD no frequency). This variant has not been reported in the literature in individuals affected with RTEL1-related conditions. An algorithm developed to predict the effect of missense changes on protein structure and function outputs the following: PolyPhen-2: "Benign". The lysine amino acid residue is found in multiple mammalian species, which suggests that this missense change does not adversely affect protein function. In summary, the available evidence is currently insufficient to determine the role of this variant in disease. Therefore, it has been classified as a Variant of Uncertain Significance.

NM_001283009.2(RTEL1):c.2656G>A (p.Glu886Lys)

Genes: RTEL1 (regulator of telomere elongation helicase 1; plus strand), RTEL1-TNFRSF6B (RTEL1-TNFRSF6B readthrough (NMD candidate); plus strand). Cytogenetic location: 20q13.33.
Variant type: single nucleotide variant.
Coding change: c.2656G>A on transcript NM_001283009.2 (MANE Select); coding-DNA position 2656, G replaced by A.
Protein change: p.Glu886Lys; replaces glutamic acid 886 with lysine.
Molecular consequence: missense variant. On other transcripts: non-coding transcript variant (1).
Genome position (GRCh38, 1-based): chr20:63,692,808, G>A. VCF-style: chr20-63692808-G-A. GRCh37 (hg19) VCF-style: chr20-62324161-G-A.
Other names: c.1987G>A, p.Glu663Lys (NM_001283010.1); c.2656G>A, p.Glu886Lys (NM_016434.4); c.2728G>A, p.Glu910Lys (NM_032957.5); short protein forms E663K, E886K, E910K.
Identifiers: ClinVar variation 3748432 (VCV003748432.2).